The following is an entry in ClinVar:

NM_001267550.2(TTN):c.67982T>A (p.Met22661Lys)

Genes: TTN (titin; minus strand), TTN-AS1 (TTN antisense RNA 1; plus strand), LOC126806423 (CDK7 strongly-dependent group 2 enhancer GRCh37_chr2:179443309-179444508; plus strand). Cytogenetic location: 2q31.2.
Variant type: single nucleotide variant.
Coding change: c.67982T>A on transcript NM_001267550.2 (MANE Select); coding-DNA position 67982, T replaced by A.
Protein change: p.Met22661Lys; replaces methionine 22661 with lysine.
Molecular consequence: missense variant.
Genome position (GRCh38, 1-based): chr2:178,579,048, A>T on the plus strand (T>A on the coding strand, the complement: TTN is on the minus strand). VCF-style: chr2-178579048-A-T. GRCh37 (hg19) VCF-style: chr2-179443775-A-T.
Other names: c.63059T>A, p.Met21020Lys (NM_001256850.1); c.40787T>A, p.Met13596Lys (NM_003319.4); c.60278T>A, p.Met20093Lys (NM_133378.4); c.41162T>A, p.Met13721Lys (NM_133432.3); c.41363T>A, p.Met13788Lys (NM_133437.4); short protein forms M13596K, M13721K, M13788K, M20093K, M21020K, M22661K.
Identifiers: ClinVar variation 4528193 (VCV004528193.1).

ClinVar aggregate classification (germline): Uncertain significance (1 of 4 stars; one submission).

gnomAD v4.1: 2 of 1,613,302 alleles (0.00012%); highest among the groups gnomAD compares: Non-Finnish European, 0.00017%; no homozygotes.

Submission:

GeneDx
Classification: Uncertain significance. Last evaluated: 2025-05-08. Review status: criteria provided, single submitter. Criteria: GeneDx Variant Classification Process June 2021. Collection method: clinical testing. Allele origin: germline. Affected: yes.
Comment: Not observed at significant frequency in large population cohorts (gnomAD); Missense variant in a gene in which most reported pathogenic variants are truncating/loss of function; Has not been previously published as pathogenic or benign to our knowledge